The following is an entry in ClinVar:

ClinVar aggregate classification (germline): Pathogenic. Review status: criteria provided, multiple submitters, no conflicts (2 of 4 stars). 8 submissions from 8 submitters: Pathogenic (7). 1 of the submissions does not count toward it. Last evaluated 2024-10-30.

Conditions:
Deficiency of steroid 17-alpha-monooxygenase. Also called: 17-alpha-hydroxylase/17,20-lyase deficiency; ADRENAL HYPERPLASIA V; Congenital adrenal hyperplasia due to 17-alpha-hydroxylase deficiency; Congenital adrenal hyperplasia type 5; 17-ALPHA-HYDROXYLASE DEFICIENCY. Identifiers: Orphanet 90793, MedGen C0268285, MONDO:0008730, OMIM 202110.
Congenital adrenal hyperplasia. Identifiers: Orphanet 418, MedGen C0001627, MONDO:0018479, HP:0008258.
21-Hydroxylase-Deficient Congenital Adrenal Hyperplasia. Also called: ADRENAL HYPERPLASIA, CONGENITAL, DUE TO 21-HYDROXYLASE DEFICIENCY; ADRENAL HYPERPLASIA III. Identifiers: MedGen C2936858, OMIM 201910.
17-alpha-hydroxylase/17,20-lyase deficiency, combined partial. Identifiers: MedGen C4017190, MONDO:0800380.

Allele frequency attached by ClinVar (database versions not stated): gnomAD exomes 0.00001.
gnomAD v4.1: 8 of 1,604,420 alleles (0.0005%); highest among the groups gnomAD compares: East Asian, 0.0022%; no homozygotes.

Submissions (8):

GeneDx
Classification: Pathogenic. Last evaluated: 2024-10-30. Review status: criteria provided, single submitter. Criteria: GeneDx Variant Classification Process June 2021. Collection method: clinical testing. Allele origin: germline. Affected: yes.
Comment: Published functional studies demonstrate significantly decreased 17a-hydroxylaseacitivty and no detectable 17,20-lyase activity (PMID: 12466376); Not observed at significant frequency in large population cohorts (gnomAD); In silico analysis supports that this missense variant has a deleterious effect on protein structure/function; This variant is associated with the following publications: (PMID: 36800681, 36589849, 12466376, 34483146)

Natera, Inc.
Classification: Pathogenic for Deficiency of steroid 17-alpha-monooxygenase. Last evaluated: 2024-06-13. Review status: criteria provided, single submitter. Criteria: Natera Variant Classification Schema (03/2026). Collection method: clinical testing. Allele origin: germline.
Comment: The c.1039C>T variant in CYP17A1 is a missense variant predicted to cause substitution of arginine to cysteine at amino acid 347. This variant is rare in the general population with a frequency below the threshold expected for the associated phenotype(s). This variant has been observed in one or more individuals affected with the associated recessive disease, as either homozygous or compound heterozygous with a second variant (PMID: 14747197, 34483146, 36589849, 36800681). This variant has been observed to segregate in affected family members (PMID: 14747197). Functional studies show that this variant may disrupt protein function (PMID: 12466376). Computational prediction algorithms indicate this variant is likely to affect gene or protein function. Given the available evidence, this variant is classified as Pathogenic.

Women's Health and Genetics/Laboratory Corporation of America, LabCorp
Classification: Pathogenic for Congenital adrenal hyperplasia. Last evaluated: 2024-06-05. Review status: criteria provided, single submitter. Criteria: LabCorp Variant Classification Summary - May 2015. Collection method: clinical testing. Allele origin: germline.
Comment: Variant summary: CYP17A1 c.1039C>T (p.Arg347Cys) results in a non-conservative amino acid change located in the redox partner interaction domain (van den Akker_2002) of the encoded protein sequence. Five of five in-silico tools predict a damaging effect of the variant on protein function. The variant allele was found at a frequency of 4e-06 in 251414 control chromosomes. c.1039C>T has been reported in the literature as a compound heterozygous genotype in individuals with isolated 17,20-lyase deficiency presenting as Androgen insensitivity syndrome (AIS) (e.g., van den Akker_2002, ten Kate-Booij_2004) and in at least one homozygous individual affected with 17-Hydroxylase/17,20-lyase deficiency (e.g. Yamagata_2022). These data indicate that the variant is likely to be associated with disease. A different variant affecting the same codon has been classified as pathogenic by our lab (c.1040G>A, p.Arg347His), supporting the critical relevance of codon 347 to CYP17A1 protein function. At least one publication reports experimental evidence evaluating an impact on protein function. The most pronounced variant effect results in <1% of normal 17,20-Lyase activity and 13.6% of normal 17-alpha hydroxylase activity when expressed in COS-1 cells (van den Akker_2002). The following publications have been ascertained in the context of this evaluation (PMID: 12466376, 14747197, 34483146). ClinVar contains an entry for this variant (Variation ID: 1794). Based on the evidence outlined above, the variant was classified as pathogenic.

Genomic Medicine Center of Excellence, King Faisal Specialist Hospital and Research Centre
Classification: Pathogenic for 21-Hydroxylase-Deficient Congenital Adrenal Hyperplasia. Last evaluated: 2024-03-25. Review status: criteria provided, single submitter. Criteria: ACMG Guidelines, 2015. Collection method: research. Allele origin: germline.

Baylor Genetics
Classification: Pathogenic for Deficiency of steroid 17-alpha-monooxygenase. Last evaluated: 2024-03-07. Review status: criteria provided, single submitter. Criteria: ACMG Guidelines, 2015. Collection method: clinical testing. Allele origin: unknown.

Labcorp Genetics (formerly Invitae), Labcorp
Classification: Pathogenic. Last evaluated: 2024-02-05. Review status: criteria provided, single submitter. Criteria: Invitae Variant Classification Sherloc (09022015). Collection method: clinical testing. Allele origin: germline.
Comment: This sequence change replaces arginine, which is basic and polar, with cysteine, which is neutral and slightly polar, at codon 347 of the CYP17A1 protein (p.Arg347Cys). This variant is present in population databases (rs104894149, gnomAD 0.004%). This missense change has been observed in individual(s) with isolated 17,20-lyase deficiency (PMID: 12466376). In at least one individual the data is consistent with being in trans (on the opposite chromosome) from a pathogenic variant. ClinVar contains an entry for this variant (Variation ID: 1794). Advanced modeling of protein sequence and biophysical properties (such as structural, functional, and spatial information, amino acid conservation, physicochemical variation, residue mobility, and thermodynamic stability) performed at Invitae indicates that this missense variant is expected to disrupt CYP17A1 protein function with a positive predictive value of 95%. Experimental studies have shown that this missense change affects CYP17A1 function (PMID: 12466376). This variant disrupts the p.Arg347 amino acid residue in CYP17A1. Other variant(s) that disrupt this residue have been determined to be pathogenic (PMID: 9326943, 9601054, 12466376, 27426448). This suggests that this residue is clinically significant, and that variants that disrupt this residue are likely to be disease-causing. For these reasons, this variant has been classified as Pathogenic.

Seattle Children's Hospital Molecular Genetics Laboratory, Seattle Children's Hospital
Classification: Pathogenic for Deficiency of steroid 17-alpha-monooxygenase. Last evaluated: 2021-04-23. Review status: criteria provided, single submitter. Criteria: ACMG Guidelines, 2015. Collection method: clinical testing. Allele origin: unknown. Inheritance: Autosomal recessive inheritance. Affected: yes.
Comment: The CYP17A1 p.Arg347Cys variant is in exon 6 of 8 and falls within the redox partner interaction domain of the protein. It is rare in large population cohorts (1 of 251,414 alleles, gnomAD v2.1.1). In vitro assays show that the p.Arg347Cys alteration leads to partial loss of 17-alpha-hydroxylase activity with near complete loss of 17,20-lyase activity. Two individuals with 46,XY karyotypes and partial 17α-hydroxylase deficiency and complete 17,20-lyase deficiency were found to carry the p.Arg347Cys along with a second pathogenic variant (See patients 3 and 4 from PMID: 12466376). A different missense variant at this position (p.Arg347His) has been observed in the homozygous state in multiple affected individuals (PMID: 12466376, PMID: 9326943).

OMIM
Classification: Pathogenic for 17-ALPHA-HYDROXYLASE/17,20-LYASE DEFICIENCY, COMBINED PARTIAL. Last evaluated: 2002-12-01. Review status: no assertion criteria provided. Collection method: literature only. Allele origin: germline. Not counted in ClinVar's aggregate classification.

Literature cited by the submitters: PubMed 14747197 (cited by Natera, Inc. and Women's Health and Genetics/Laboratory Corporation of America, LabCorp); PubMed 34483146 (cited by Natera, Inc. and Women's Health and Genetics/Laboratory Corporation of America, LabCorp); PubMed 36589849 (cited by Natera, Inc.); PubMed 36800681 (cited by Natera, Inc.); PubMed 12466376 (cited by 5 submitters); PubMed 9326943 (cited by Labcorp Genetics (formerly Invitae), Labcorp and Seattle Children's Hospital Molecular Genetics Laboratory, Seattle Children's Hospital); PubMed 9601054 (cited by Labcorp Genetics (formerly Invitae), Labcorp); PubMed 27426448 (cited by Labcorp Genetics (formerly Invitae), Labcorp).

NM_000102.4(CYP17A1):c.1039C>T (p.Arg347Cys)

Gene: CYP17A1 (cytochrome P450 family 17 subfamily A member 1; minus strand). Cytogenetic location: 10q24.32.
Variant type: single nucleotide variant.
Coding change: c.1039C>T on transcript NM_000102.4 (MANE Select); coding-DNA position 1039, C replaced by T.
Protein change: p.Arg347Cys; replaces arginine 347 with cysteine.
Molecular consequence: missense variant.
Genome position (GRCh38, 1-based): chr10:102,832,611, G>A on the plus strand (C>T on the coding strand, the complement: CYP17A1 is on the minus strand). VCF-style: chr10-102832611-G-A. GRCh37 (hg19) VCF-style: chr10-104592368-G-A.
Other names: short protein forms R347C.
Identifiers: ClinVar variation 1794 (VCV000001794.13), dbSNP rs104894149, ClinGen allele CA115191.